The following is an entry in ClinVar:

ClinVar aggregate classification (germline): Uncertain significance (1 of 4 stars; one submission).

Submission:

Labcorp Genetics (formerly Invitae), Labcorp
Classification: Uncertain significance. Last evaluated: 2022-06-10. Review status: criteria provided, single submitter. Criteria: Invitae Variant Classification Sherloc (09022015). Collection method: clinical testing. Allele origin: germline.
Comment: In summary, the available evidence is currently insufficient to determine the role of this variant in disease. Therefore, it has been classified as a Variant of Uncertain Significance. Algorithms developed to predict the effect of missense changes on protein structure and function are either unavailable or do not agree on the potential impact of this missense change (SIFT: "Deleterious"; PolyPhen-2: "Benign"; Align-GVGD: "Class C0"). This variant has not been reported in the literature in individuals affected with RPL19-related conditions. This variant is not present in population databases (gnomAD no frequency). This sequence change replaces glutamic acid, which is acidic and polar, with glycine, which is neutral and non-polar, at codon 111 of the RPL19 protein (p.Glu111Gly).

NM_000981.4(RPL19):c.332A>G (p.Glu111Gly)

Gene: RPL19 (ribosomal protein L19; plus strand). Cytogenetic location: 17q12.
Variant type: single nucleotide variant.
Coding change: c.332A>G on transcript NM_000981.4 (MANE Select); coding-DNA position 332, A replaced by G.
Protein change: p.Glu111Gly; replaces glutamic acid 111 with glycine.
Molecular consequence: missense variant.
Genome position (GRCh38, 1-based): chr17:39,203,085, A>G. VCF-style: chr17-39203085-A-G. GRCh37 (hg19) VCF-style: chr17-37359338-A-G.
Other names: c.326A>G, p.Glu109Gly (NM_001330200.1); short protein forms E111G, E109G.
Identifiers: ClinVar variation 2002269 (VCV002002269.4), dbSNP rs2046301774, ClinGen allele CA398835866.